The following is an entry in ClinVar:

NM_015215.4(CAMTA1):c.4154A>G (p.Glu1385Gly)

Genes: CAMTA1 (calmodulin binding transcription activator 1; plus strand), LOC126805603 (CDK7 strongly-dependent group 2 enhancer GRCh37_chr1:7798026-7799225; plus strand). Cytogenetic location: 1p36.23.
Variant type: single nucleotide variant.
Coding change: c.4154A>G on transcript NM_015215.4 (MANE Select); coding-DNA position 4154, A replaced by G.
Protein change: p.Glu1385Gly; replaces glutamic acid 1385 with glycine.
Molecular consequence: missense variant.
Genome position (GRCh38, 1-based): chr1:7,738,454, A>G. VCF-style: chr1-7738454-A-G. GRCh37 (hg19) VCF-style: chr1-7798514-A-G.
Other names: c.1226A>G, p.Glu409Gly (NM_001349614.1, NM_001349615.2, NM_001349616.2 and 2 more transcripts); c.887A>G, p.Glu296Gly (NM_001349619.2, NM_001349620.1, NM_001349621.1 and 5 more transcripts); c.3815A>G, p.Glu1272Gly (NM_001410737.1, NM_001349609.2, NM_001349610.2); c.3743A>G, p.Glu1248Gly (NM_001410738.1); c.4064A>G, p.Glu1355Gly (NM_001349608.2); c.3725A>G, p.Glu1242Gly (NM_001349612.2); c.1283A>G, p.Glu428Gly (NM_001349613.1); short protein forms E1385G, E1242G, E1355G, E409G, E1248G, E428G, E1272G, E296G.
Identifiers: ClinVar variation 4795769 (VCV004795769.1).

ClinVar aggregate classification (germline): Uncertain significance (1 of 4 stars; one submission).

gnomAD v4.1: 2 of 1,613,992 alleles (0.00012%); highest among the groups gnomAD compares: East Asian, 0.0045%; no homozygotes.

Submission:

GeneDx
Classification: Uncertain significance. Last evaluated: 2025-08-12. Review status: criteria provided, single submitter. Criteria: GeneDx Variant Classification Process June 2021. Collection method: clinical testing. Allele origin: germline. Affected: yes.
Comment: Not observed at significant frequency in large population cohorts (gnomAD); In silico analysis supports that this missense variant has a deleterious effect on protein structure/function; Has not been previously published as pathogenic or benign to our knowledge